The following is an entry in ClinVar:

NM_182641.4(BPTF):c.5854G>A (p.Ala1952Thr)

Gene: BPTF (bromodomain PHD finger transcription factor; plus strand). Cytogenetic location: 17q24.2.
Variant type: single nucleotide variant.
Coding change: c.5854G>A on transcript NM_182641.4 (MANE Select); coding-DNA position 5854, G replaced by A.
Protein change: p.Ala1952Thr; replaces alanine 1952 with threonine.
Molecular consequence: missense variant.
Genome position (GRCh38, 1-based): chr17:67,928,457, G>A. VCF-style: chr17-67928457-G-A. GRCh37 (hg19) VCF-style: chr17-65924573-G-A.
Other names: c.6232G>A, p.Ala2078Thr (NM_004459.7); short protein forms A1952T, A2078T.
Identifiers: ClinVar variation 3895516 (VCV003895516.1).

ClinVar aggregate classification (germline): Uncertain significance (1 of 4 stars; one submission).

Conditions:
Neurodevelopmental disorder with dysmorphic facies and distal limb anomalies. Identifiers: Orphanet 686482, MedGen C4540327, MONDO:0060596, OMIM 617755.

Submission:

Neuberg Centre For Genomic Medicine, NCGM
Classification: Uncertain significance for Neurodevelopmental disorder with dysmorphic facies and distal limb anomalies. Last evaluated: 2024-02-01. Review status: criteria provided, single submitter. Criteria: ACMG Guidelines, 2015. Collection method: clinical testing. Allele origin: germline. Inheritance: Autosomal dominant inheritance. Affected: no.
Comment: The observed missense c.5854G>A(p.Ala1952Thr) variant in BPTF gene has not been reported previously as a pathogenic variant nor as a benign variant, to our knowledge. This variant is absent in gnomAD Exomes. Multiple lines of computational evidence (Polyphen - Possibly Damaging, SIFT - Damaging, and MutationTaster - Disease causing) predict a damaging effect on protein structure and function for this variant. The amino acid Ala at position 1952 is changed to a Thr changing protein sequence and it might alter its composition and physico-chemical properties. This variant has not been reported to the ClinVar database. The amino acid change p.Ala1952Thr in BPTF is predicted as conserved by GERP++ and PhyloP across 100 vertebrates. For these reasons, this variant has been classified as Uncertain Significance.